The following is an entry in ClinVar:

ClinVar aggregate classification (germline): Pathogenic (1 of 4 stars; one submission).

Conditions:
Lipoic acid synthetase deficiency. Also called: HYPERGLYCINEMIA, LACTIC ACIDOSIS, AND SEIZURES. Identifiers: Orphanet 401859, MedGen C3280887, MONDO:0013762, OMIM 614462.

Submission:

Labcorp Genetics (formerly Invitae), Labcorp
Classification: Pathogenic for Lipoic acid synthetase deficiency. Last evaluated: 2024-08-05. Review status: criteria provided, single submitter. Criteria: Invitae Variant Classification Sherloc (09022015). Collection method: clinical testing. Allele origin: germline.
Comment: This sequence change creates a premature translational stop signal (p.Tyr161Thrfs*17) in the LIAS gene. It is expected to result in an absent or disrupted protein product. Loss-of-function variants in LIAS are known to be pathogenic (PMID: 24334290, 27923773). This variant is not present in population databases (gnomAD no frequency). This variant has not been reported in the literature in individuals affected with LIAS-related conditions. Algorithms developed to predict the effect of sequence changes on RNA splicing suggest that this variant may disrupt the consensus splice site. For these reasons, this variant has been classified as Pathogenic.

Literature cited by the submitters: PubMed 24334290; PubMed 27923773.

NM_006859.4(LIAS):c.480del (p.Tyr161fs)

Gene: LIAS (lipoic acid synthetase; plus strand). Cytogenetic location: 4p14.
Variant type: Deletion.
Coding change: c.480del on transcript NM_006859.4 (MANE Select); coding-DNA position 480, one base deleted (C; older notation c.480delC).
Protein change: p.Tyr161fs; shifts the reading frame from tyrosine 161.
Molecular consequence: frameshift variant. On other transcripts: intron variant (1).
Genome position (GRCh38, 1-based): chr4:39,465,132, C deleted; the last of 3 consecutive C bases (chr4:39,465,130-39,465,132); deleting any one gives the same sequence. VCF-style (leftmost placement, unchanged base first): chr4-39465129-GC-G. GRCh37 (hg19) VCF-style: chr4-39466749-GC-G.
Other names: c.480del, p.Tyr161fs (NM_001278590.2, NM_194451.3); c.299+1527del (NM_001363700.2); short protein forms Y161fs.
Identifiers: ClinVar variation 2796701 (VCV002796701.3), dbSNP rs1744708369, ClinGen allele CA1452158318.